The following is an entry in ClinVar:

ClinVar aggregate classification (germline): Pathogenic (1 of 4 stars; one submission).

Conditions:
Dyskeratosis congenita, autosomal recessive 5 (DKCB5). Identifiers: MedGen C3554656, MONDO:0014076, OMIM 615190.
Pulmonary fibrosis and/or bone marrow failure, Telomere-related, 3. Also called: PULMONARY FIBROSIS AND/OR BONE MARROW FAILURE SYNDROME, TELOMERE-RELATED, 3. Identifiers: Orphanet 2032, MedGen C4225346, MONDO:0014613, OMIM 616373.

Submission:

Labcorp Genetics (formerly Invitae), Labcorp
Classification: Pathogenic for Dyskeratosis congenita, autosomal recessive 5; Pulmonary fibrosis and/or bone marrow failure, Telomere-related, 3. Last evaluated: 2022-04-30. Review status: criteria provided, single submitter. Criteria: Invitae Variant Classification Sherloc (09022015). Collection method: clinical testing. Allele origin: germline.
Comment: This variant is not present in population databases (gnomAD no frequency). This sequence change creates a premature translational stop signal (p.Gln917Argfs*55) in the RTEL1 gene. It is expected to result in an absent or disrupted protein product. Loss-of-function variants in RTEL1 are known to be pathogenic (PMID: 23453664, 23959892, 25607374). For these reasons, this variant has been classified as Pathogenic. Algorithms developed to predict the effect of sequence changes on RNA splicing suggest that this variant may disrupt the consensus splice site. This variant has not been reported in the literature in individuals affected with RTEL1-related conditions.

Literature cited by the submitters: PubMed 23453664; PubMed 23959892; PubMed 25607374.

NM_001283009.2(RTEL1):c.2750del (p.Gln917fs)

Genes: RTEL1 (regulator of telomere elongation helicase 1; plus strand), RTEL1-TNFRSF6B (RTEL1-TNFRSF6B readthrough (NMD candidate); plus strand). Cytogenetic location: 20q13.33.
Variant type: Deletion.
Coding change: c.2750del on transcript NM_001283009.2 (MANE Select); coding-DNA position 2750, one base deleted (A; older notation c.2750delA).
Protein change: p.Gln917fs; shifts the reading frame from glutamine 917.
Molecular consequence: frameshift variant. On other transcripts: non-coding transcript variant (1).
Genome position (GRCh38, 1-based): chr20:63,692,902, A deleted. VCF-style (leftmost placement, unchanged base first): chr20-63692901-CA-C. GRCh37 (hg19) VCF-style: chr20-62324254-CA-C.
Other names: c.2081del, p.Gln694fs (NM_001283010.1); c.2750del, p.Gln917fs (NM_016434.4); c.2822del, p.Gln941fs (NM_032957.5); short protein forms Q917fs, Q694fs, Q941fs.
Identifiers: ClinVar variation 2132023 (VCV002132023.4), dbSNP rs2517165422, ClinGen allele CA2580098468.